The following is an entry in ClinVar:

ClinVar aggregate classification (germline): Uncertain significance (1 of 4 stars; one submission).

Conditions:
Familial cancer of breast. Also called: hereditary breast carcinoma; BREAST CANCER, FAMILIAL; Hereditary breast cancer. Identifiers: Orphanet 227535, MedGen C0346153, MONDO:0016419, OMIM 114480. Disease mechanism: loss of function.

Submission:

Labcorp Genetics (formerly Invitae), Labcorp
Classification: Uncertain significance for Familial cancer of breast. Last evaluated: 2021-11-17. Review status: criteria provided, single submitter. Criteria: Invitae Variant Classification Sherloc (09022015). Collection method: clinical testing. Allele origin: germline.
Comment: In summary, the available evidence is currently insufficient to determine the role of this variant in disease. Therefore, it has been classified as a Variant of Uncertain Significance. Algorithms developed to predict the effect of missense changes on protein structure and function are either unavailable or do not agree on the potential impact of this missense change (SIFT: "Deleterious"; PolyPhen-2: "Probably Damaging"; Align-GVGD: "Class C0"). This variant has not been reported in the literature in individuals affected with CHEK2-related conditions. This variant is not present in population databases (gnomAD no frequency). This sequence change replaces phenylalanine, which is neutral and non-polar, with tyrosine, which is neutral and polar, at codon 427 of the CHEK2 protein (p.Phe427Tyr).

NM_007194.4(CHEK2):c.1280T>A (p.Phe427Tyr)

Gene: CHEK2 (checkpoint kinase 2; minus strand). Cytogenetic location: 22q12.1.
Variant type: single nucleotide variant.
Coding change: c.1280T>A on transcript NM_007194.4 (MANE Select); coding-DNA position 1280, T replaced by A.
Protein change: p.Phe427Tyr; replaces phenylalanine 427 with tyrosine.
Molecular consequence: missense variant.
Genome position (GRCh38, 1-based): chr22:28,695,222, A>T on the plus strand (T>A on the coding strand, the complement: CHEK2 is on the minus strand). VCF-style: chr22-28695222-A-T. GRCh37 (hg19) VCF-style: chr22-29091210-A-T.
Other names: c.1409T>A, p.Phe470Tyr (NM_001005735.3); c.617T>A, p.Phe206Tyr (NM_001257387.3); c.1079T>A, p.Phe360Tyr (NM_001349956.3); c.1193T>A, p.Phe398Tyr (NM_145862.3); short protein forms F427Y, F360Y, F470Y, F206Y, F398Y.
Identifiers: ClinVar variation 1474178 (VCV001474178.7), dbSNP rs1601720056, ClinGen allele CA411096257.